The following is an entry in ClinVar:

ClinVar aggregate classification (germline): Uncertain significance (1 of 4 stars; one submission).

Conditions:
Idiopathic generalized epilepsy. Also called: Generalised epilepsy; EIG. Identifiers: MedGen C0270850, MONDO:0005579, OMIM 600669.
Hyperaldosteronism, familial, type IV (HALD4). Also called: FH IV; ALDOSTERONISM, PRIMARY, AND HYPERTENSION. Identifiers: Orphanet 642671, MedGen C4310756, MONDO:0014875, OMIM 617027.

Allele frequency attached by ClinVar (database versions not stated): TOPMed below 0.00001.

Submission:

Labcorp Genetics (formerly Invitae), Labcorp
Classification: Uncertain significance for Idiopathic generalized epilepsy; Hyperaldosteronism, familial, type IV. Last evaluated: 2022-08-13. Review status: criteria provided, single submitter. Criteria: Invitae Variant Classification Sherloc (09022015). Collection method: clinical testing. Allele origin: germline.
Comment: In summary, the available evidence is currently insufficient to determine the role of this variant in disease. Therefore, it has been classified as a Variant of Uncertain Significance. Advanced modeling of protein sequence and biophysical properties (such as structural, functional, and spatial information, amino acid conservation, physicochemical variation, residue mobility, and thermodynamic stability) performed at Invitae indicates that this missense variant is expected to disrupt CACNA1H protein function. This variant has not been reported in the literature in individuals affected with CACNA1H-related conditions. This variant is not present in population databases (gnomAD no frequency). This sequence change replaces tyrosine, which is neutral and polar, with cysteine, which is neutral and slightly polar, at codon 394 of the CACNA1H protein (p.Tyr394Cys).

NM_021098.3(CACNA1H):c.1181A>G (p.Tyr394Cys)

Gene: CACNA1H (calcium voltage-gated channel subunit alpha1 H; plus strand). Cytogenetic location: 16p13.3.
Variant type: single nucleotide variant.
Coding change: c.1181A>G on transcript NM_021098.3 (MANE Select); coding-DNA position 1181, A replaced by G.
Protein change: p.Tyr394Cys; replaces tyrosine 394 with cysteine.
Molecular consequence: missense variant.
Genome position (GRCh38, 1-based): chr16:1,200,777, A>G. VCF-style: chr16-1200777-A-G. GRCh37 (hg19) VCF-style: chr16-1250777-A-G.
Other names: c.1181A>G, p.Tyr394Cys (NM_001005407.2); short protein forms Y394C.
Identifiers: ClinVar variation 1716370 (VCV001716370.5), dbSNP rs1408585294, ClinGen allele CA394158407.